The following is an entry in ClinVar:

NM_133259.4(LRPPRC):c.2905G>A (p.Gly969Ser)

Gene: LRPPRC (leucine rich pentatricopeptide repeat containing; minus strand). Cytogenetic location: 2p21.
Variant type: single nucleotide variant.
Coding change: c.2905G>A on transcript NM_133259.4 (MANE Select); coding-DNA position 2905, G replaced by A.
Protein change: p.Gly969Ser; replaces glycine 969 with serine.
Molecular consequence: missense variant.
Genome position (GRCh38, 1-based): chr2:43,918,390, C>T on the plus strand (G>A on the coding strand, the complement: LRPPRC is on the minus strand). VCF-style: chr2-43918390-C-T. GRCh37 (hg19) VCF-style: chr2-44145529-C-T.
Other names: short protein forms G969S.
Identifiers: ClinVar variation 1401852 (VCV001401852.5), dbSNP rs777128959, ClinGen allele CA1638262.

ClinVar aggregate classification (germline): Uncertain significance (1 of 4 stars; one submission).

Allele frequency attached by ClinVar (database versions not stated): gnomAD exomes 0.00002 and 0.00004; TOPMed 0.00002; ExAC 0.00003; gnomAD 0.00004.

Submission:

Labcorp Genetics (formerly Invitae), Labcorp
Classification: Uncertain significance. Last evaluated: 2024-10-15. Review status: criteria provided, single submitter. Criteria: Invitae Variant Classification Sherloc (09022015). Collection method: clinical testing. Allele origin: germline.
Comment: This sequence change replaces glycine, which is neutral and non-polar, with serine, which is neutral and polar, at codon 969 of the LRPPRC protein (p.Gly969Ser). This variant is present in population databases (rs777128959, gnomAD 0.01%). This variant has not been reported in the literature in individuals affected with LRPPRC-related conditions. ClinVar contains an entry for this variant (Variation ID: 1401852). Invitae Evidence Modeling of protein sequence and biophysical properties (such as structural, functional, and spatial information, amino acid conservation, physicochemical variation, residue mobility, and thermodynamic stability) indicates that this missense variant is not expected to disrupt LRPPRC protein function with a negative predictive value of 80%. In summary, the available evidence is currently insufficient to determine the role of this variant in disease. Therefore, it has been classified as a Variant of Uncertain Significance.